The following is an entry in ClinVar:

ClinVar aggregate classification (germline): Conflicting classifications of pathogenicity. Review status: criteria provided, conflicting classifications (1 of 4 stars). 3 submissions from 3 submitters: Uncertain significance (2); Likely benign (1). Last evaluated 2026-09-11.

Conditions:
Hereditary cancer-predisposing syndrome. Also called: Tumor predisposition; Hereditary neoplastic syndrome; Neoplastic Syndromes, Hereditary; Hereditary Cancer Syndrome. Identifiers: Orphanet 140162, MedGen C0027672, MeSH D009386, MONDO:0015356.
Peutz-Jeghers syndrome (PJS). Also called: POLYPOSIS, HAMARTOMATOUS INTESTINAL; POLYPS-AND-SPOTS SYNDROME; Peutz-Jeghers polyposis; Periorificial lentiginosis syndrome. Identifiers: Orphanet 2869, MedGen C0031269, MeSH D010580, MONDO:0008280, OMIM 175200.

Allele frequency attached by ClinVar (database versions not stated): gnomAD exomes below 0.00001.
gnomAD v4.1: 2 of 1,611,872 alleles (0.00012%); highest among the groups gnomAD compares: South Asian, 0.0022%; no homozygotes.

Submissions (3):

Ambry Genetics
Classification: Likely benign for Hereditary cancer-predisposing syndrome. Last evaluated: 2026-09-11. Review status: criteria provided, single submitter. Criteria: Ambry Variant Classification Scheme 2023. Collection method: clinical testing. Allele origin: germline.

Labcorp Genetics (formerly Invitae), Labcorp
Classification: Uncertain significance for Peutz-Jeghers syndrome. Last evaluated: 2025-08-07. Review status: criteria provided, single submitter. Criteria: Invitae Variant Classification Sherloc (09022015). Collection method: clinical testing. Allele origin: germline.
Comment: This sequence change replaces aspartic acid, which is acidic and polar, with glutamic acid, which is acidic and polar, at codon 355 of the STK11 protein (p.Asp355Glu). This variant is not present in population databases (gnomAD no frequency). This variant has not been reported in the literature in individuals affected with STK11-related conditions. ClinVar contains an entry for this variant (Variation ID: 855751). Invitae Evidence Modeling of protein sequence and biophysical properties (such as structural, functional, and spatial information, amino acid conservation, physicochemical variation, residue mobility, and thermodynamic stability) indicates that this missense variant is not expected to disrupt STK11 protein function with a negative predictive value of 95%. In summary, the available evidence is currently insufficient to determine the role of this variant in disease. Therefore, it has been classified as a Variant of Uncertain Significance.

All of Us Research Program, National Institutes of Health
Classification: Uncertain significance for Peutz-Jeghers syndrome. Last evaluated: 2024-09-23. Review status: criteria provided, single submitter. Criteria: ACMG Guidelines, 2015. Collection method: clinical testing. Allele origin: germline. Inheritance: Autosomal dominant inheritance. Observed: 1 variant allele, 1 heterozygote.
Comment: This study involves interpretation of variants in research participants for the purpose of population health screening. Participant phenotype was not available at the time of variant classification. Additional details can be found in publication PMID: 35346344, PMCID: PMC8962531

NM_000455.5(STK11):c.1065C>G (p.Asp355Glu)

Genes: STK11 (serine/threonine kinase 11; plus strand), LOC130062899 (ATAC-STARR-seq lymphoblastoid active region 13597; plus strand). Cytogenetic location: 19p13.3.
Variant type: single nucleotide variant.
Coding change: c.1065C>G on transcript NM_000455.5 (MANE Select); coding-DNA position 1065, C replaced by G.
Protein change: p.Asp355Glu; replaces aspartic acid 355 with glutamic acid.
Molecular consequence: missense variant.
Genome position (GRCh38, 1-based): chr19:1,223,129, C>G. VCF-style: chr19-1223129-C-G. GRCh37 (hg19) VCF-style: chr19-1223128-C-G.
Other names: short protein forms D355E.
Identifiers: ClinVar variation 855751 (VCV000855751.13), dbSNP rs577581156, ClinGen allele CA402951859.
Genomic context (GRCh38, chr19:1,223,129, plus strand): 5'-GACTGTGGTGCCGTACTTGGAGGACCTGCACGGCGCGGACGAGGACGAGGACCTCTTCGA[C>G]ATCGAGGATGACATCATCTACACTCAGGACTTCACGGTGCCCGGTGAGTCTGGCGGGGGC-3'
Protein context (NP_000446.1, residues 345-365): HGADEDEDLF[Asp355Glu]IEDDIIYTQD